The following is an entry in ClinVar:

ClinVar aggregate classification (germline): Uncertain significance (1 of 4 stars; one submission).

Submission:

Medical Genetic Center, Changzhi Maternal and Child Health Care Hospital
Classification: Uncertain significance. Last evaluated: 2025-12-10. Review status: criteria provided, single submitter. Criteria: ACMG/ClinGen CNV Guidelines, 2019. Collection method: clinical testing. Allele origin: unknown.
Comment: 1A(0)+3A(0):THAP1,RNF170,POMK,HGSNAT duplication

GRCh38/hg38 8p11.21-11.1(chr8:42789718-43968892)x3

Genes: FNTA (farnesyltransferase, CAAX box, subunit alpha; plus strand), HGSNAT (heparan-alpha-glucosaminide N-acetyltransferase; plus strand), HOOK3 (hook microtubule tethering protein 3; plus strand), MIR4469 (microRNA 4469; minus strand), POMK (protein O-mannose kinase; plus strand) and 19 more. Cytogenetic location: 8p11.21-11.1.
Variant type: copy number gain.
Change: copy number 3 (three copies instead of two) of chr8:42,789,718-43,968,892 (1.18 Mb, GRCh38 coordinates, 1-based), cytogenetic band 8p11.21-11.1.
Identifiers: ClinVar variation 4796216 (VCV004796216.1).